The following is an entry in ClinVar:

ClinVar aggregate classification (germline): Uncertain significance (1 of 4 stars; one submission).

Conditions:
PRKG1-related disorder. Also called: PRKG1-related condition.

Allele frequency attached by ClinVar (database versions not stated): gnomAD exomes below 0.00001.
gnomAD v4.1: 1 of 1,613,522 alleles (0.000062%); highest among the groups gnomAD compares: East Asian, 0.0022%; no homozygotes.

Submission:

PreventionGenetics, part of Exact Sciences
Classification: Uncertain significance for PRKG1-related condition. Last evaluated: 2022-10-12. Review status: criteria provided, single submitter. Criteria: ACMG Guidelines, 2015. Collection method: clinical testing. Allele origin: germline.
Comment: The PRKG1 c.1139C>T variant is predicted to result in the amino acid substitution p.Thr380Ile. To our knowledge, this variant has not been reported in the literature or in a large population database, indicating this variant is rare. At this time, the clinical significance of this variant is uncertain due to the absence of conclusive functional and genetic evidence.

NM_006258.4(PRKG1):c.1139C>T (p.Thr380Ile)

Gene: PRKG1 (protein kinase cGMP-dependent 1; plus strand). Cytogenetic location: 10q21.1.
Variant type: single nucleotide variant.
Coding change: c.1139C>T on transcript NM_006258.4 (MANE Select); coding-DNA position 1139, C replaced by T.
Protein change: p.Thr380Ile; replaces threonine 380 with isoleucine.
Molecular consequence: missense variant. On other transcripts: 5 prime UTR variant (1).
Genome position (GRCh38, 1-based): chr10:52,251,632, C>T. VCF-style: chr10-52251632-C-T. GRCh37 (hg19) VCF-style: chr10-54011392-C-T.
Other names: c.1094C>T, p.Thr365Ile (NM_001098512.3); c.-71C>T (NM_001374781.1); short protein forms T365I, T380I.
Identifiers: ClinVar variation 2631921 (VCV002631921.1), dbSNP rs2492777282, ClinGen allele CA376534755.